The following is an entry in ClinVar:

ClinVar aggregate classification (germline): Uncertain significance (1 of 4 stars; one submission).

Conditions:
RASopathy. Also called: rasopathies; Noonan spectrum disorder. Identifiers: Orphanet 536391, MedGen C5555857, MONDO:0021060.

Submission:

Labcorp Genetics (formerly Invitae), Labcorp
Classification: Uncertain significance for RASopathy. Last evaluated: 2025-10-22. Review status: criteria provided, single submitter. Criteria: Invitae Variant Classification Sherloc (09022015). Collection method: clinical testing. Allele origin: germline.
Comment: This sequence change replaces serine, which is neutral and polar, with arginine, which is basic and polar, at codon 274 of the SOS1 protein (p.Ser274Arg). This variant is not present in population databases (gnomAD no frequency). This variant has not been reported in the literature in individuals affected with SOS1-related conditions. Invitae Evidence Modeling of protein sequence and biophysical properties (such as structural, functional, and spatial information, amino acid conservation, physicochemical variation, residue mobility, and thermodynamic stability) has been performed for this missense variant. However, the output from this modeling did not meet the statistical confidence thresholds required to predict the impact of this variant on SOS1 protein function. In summary, the available evidence is currently insufficient to determine the role of this variant in disease. Therefore, it has been classified as a Variant of Uncertain Significance.

NM_005633.4(SOS1):c.822T>G (p.Ser274Arg)

Gene: SOS1 (SOS Ras/Rac guanine nucleotide exchange factor 1; minus strand). Cytogenetic location: 2p22.1.
Variant type: single nucleotide variant.
Coding change: c.822T>G on transcript NM_005633.4 (MANE Select); coding-DNA position 822, T replaced by G.
Protein change: p.Ser274Arg; replaces serine 274 with arginine.
Molecular consequence: missense variant.
Genome position (GRCh38, 1-based): chr2:39,051,186, A>C on the plus strand (T>G on the coding strand, the complement: SOS1 is on the minus strand). VCF-style: chr2-39051186-A-C. GRCh37 (hg19) VCF-style: chr2-39278327-A-C.
Other names: c.801T>G, p.Ser267Arg (NM_001382394.1); c.822T>G, p.Ser274Arg (NM_001382395.1); short protein forms S267R, S274R.
Identifiers: ClinVar variation 4800175 (VCV004800175.1).
Genomic context (GRCh38, chr2:39,051,186, plus strand): 5'-TATAATTGAAGTACTTACCTCTGCTAAGTCTTCAAAGCAGCTTCCTACTAGTGGATGGGG[A>C]CTGCCTTCATCTGTCATTTCTACTGTATCTTCTATATGGCCCAGTAACTTTACACTAAGT-3'
Protein context (NP_005624.2, residues 264-284): EDTVEMTDEG[Ser274Arg]PHPLVGSCFE